The following is an entry in ClinVar:

NM_001430.5(EPAS1):c.205C>T (p.Leu69Phe)

Gene: EPAS1 (endothelial PAS domain protein 1; plus strand). Cytogenetic location: 2p21.
Variant type: single nucleotide variant.
Coding change: c.205C>T on transcript NM_001430.5 (MANE Select); coding-DNA position 205, C replaced by T.
Protein change: p.Leu69Phe; replaces leucine 69 with phenylalanine.
Molecular consequence: missense variant.
Genome position (GRCh38, 1-based): chr2:46,347,051, C>T. VCF-style: chr2-46347051-C-T. GRCh37 (hg19) VCF-style: chr2-46574190-C-T.
Other names: short protein forms L69F.
Identifiers: ClinVar variation 1785193 (VCV001785193.2), dbSNP rs1684044291, ClinGen allele CA346697253.

ClinVar aggregate classification (germline): Uncertain significance (1 of 4 stars; one submission).

Conditions:
Inborn genetic diseases. Identifiers: MedGen C0950123, MeSH D030342.

Allele frequency attached by ClinVar (database versions not stated): TOPMed below 0.00001.

Submission:

Ambry Genetics
Classification: Uncertain significance for Inborn genetic diseases. Last evaluated: 2022-05-09. Review status: criteria provided, single submitter. Criteria: Ambry Variant Classification Scheme 2023. Collection method: clinical testing. Allele origin: germline.
Comment: The p.L69F variant (also known as c.205C>T), located in coding exon 2 of the EPAS1 gene, results from a C to T substitution at nucleotide position 205. The leucine at codon 69 is replaced by phenylalanine, an amino acid with highly similar properties. This amino acid position is conserved. In addition, this alteration is predicted to be tolerated by in silico analysis. Since supporting evidence is limited at this time, the clinical significance of this alteration remains unclear.